The following is an entry in ClinVar:

ClinVar aggregate classification (germline): Uncertain significance (1 of 4 stars; one submission).

Conditions:
Arrhythmogenic right ventricular dysplasia 11. Also called: Arrhythmogenic Right Ventricular Dysplasia/Cardiomyopathy11; ARRHYTHMOGENIC RIGHT VENTRICULAR DYSPLASIA, FAMILIAL, 11; Arrhythmogenic right ventricular dysplasia 11 with mild palmoplantar keratoderma and woolly hair. Identifiers: MedGen C1864850, MONDO:0012506, OMIM 610476.

Submission:

Labcorp Genetics (formerly Invitae), Labcorp
Classification: Uncertain significance for Arrhythmogenic right ventricular dysplasia 11. Last evaluated: 2022-06-23. Review status: criteria provided, single submitter. Criteria: Invitae Variant Classification Sherloc (09022015). Collection method: clinical testing. Allele origin: germline.
Comment: This variant has not been reported in the literature in individuals affected with DSC2-related conditions. This variant is not present in population databases (gnomAD no frequency). This sequence change replaces glutamic acid, which is acidic and polar, with lysine, which is basic and polar, at codon 314 of the DSC2 protein (p.Glu314Lys). In summary, the available evidence is currently insufficient to determine the role of this variant in disease. Therefore, it has been classified as a Variant of Uncertain Significance. Algorithms developed to predict the effect of missense changes on protein structure and function (SIFT, PolyPhen-2, Align-GVGD) all suggest that this variant is likely to be disruptive.

NM_024422.6(DSC2):c.940G>A (p.Glu314Lys)

Gene: DSC2 (desmocollin 2; minus strand). Cytogenetic location: 18q12.1.
Variant type: single nucleotide variant.
Coding change: c.940G>A on transcript NM_024422.6 (MANE Select); coding-DNA position 940, G replaced by A.
Protein change: p.Glu314Lys; replaces glutamic acid 314 with lysine.
Molecular consequence: missense variant.
Genome position (GRCh38, 1-based): chr18:31,086,578, C>T on the plus strand (G>A on the coding strand, the complement: DSC2 is on the minus strand). VCF-style: chr18-31086578-C-T. GRCh37 (hg19) VCF-style: chr18-28666541-C-T.
Other names: c.511G>A, p.Glu171Lys (NM_001406506.1, NM_001406507.1); c.940G>A, p.Glu314Lys (NM_004949.5); short protein forms E171K, E314K.
Identifiers: ClinVar variation 2009583 (VCV002009583.4), dbSNP rs2510951100, ClinGen allele CA402111703.